The following is an entry in ClinVar:

NM_001271.4(CHD2):c.595C>T (p.Arg199Cys)

Gene: CHD2 (chromodomain helicase DNA binding protein 2; plus strand). Cytogenetic location: 15q26.1.
Variant type: single nucleotide variant.
Coding change: c.595C>T on transcript NM_001271.4 (MANE Select); coding-DNA position 595, C replaced by T.
Protein change: p.Arg199Cys; replaces arginine 199 with cysteine.
Molecular consequence: missense variant.
Genome position (GRCh38, 1-based): chr15:92,939,621, C>T. VCF-style: chr15-92939621-C-T. GRCh37 (hg19) VCF-style: chr15-93482851-C-T.
Other names: c.595C>T, p.Arg199Cys (NM_001042572.3); short protein forms R199C.
Identifiers: ClinVar variation 943841 (VCV000943841.12), dbSNP rs764705223, ClinGen allele CA7747577.

ClinVar aggregate classification (germline): Conflicting classifications of pathogenicity. Review status: criteria provided, conflicting classifications (1 of 4 stars). 3 submissions from 3 submitters: Uncertain significance (2); Likely benign (1). Last evaluated 2026-03-09.

Conditions:
Inborn genetic diseases. Identifiers: MedGen C0950123, MeSH D030342.
Developmental and epileptic encephalopathy 94 (DEE94). Also called: Epileptic encephalopathy, childhood-onset; CHD2-Related Neurodevelopmental Disorders. Identifiers: Orphanet 1942, Orphanet 2382, MedGen C3809278, MONDO:0014150, OMIM 615369.

Allele frequency attached by ClinVar (database versions not stated): TOPMed below 0.00001; gnomAD exomes 0.00001 and 0.00002; ExAC 0.00002.
gnomAD v4.1: 18 of 1,614,052 alleles (0.0011%); highest among the groups gnomAD compares: Middle Eastern, 0.017%; no homozygotes.

Submissions (3):

Women's Health and Genetics/Laboratory Corporation of America, LabCorp
Classification: Uncertain significance. Last evaluated: 2026-03-09. Review status: criteria provided, single submitter. Criteria: LabCorp Variant Classification Summary - May 2015. Collection method: clinical testing. Allele origin: germline.
Comment: Variant summary: CHD2 c.595C>T (p.Arg199Cys) results in a non-conservative amino acid change in the encoded protein sequence. Algorithms developed to predict the effect of missense changes on protein structure and function all suggest that this variant is likely to be disruptive. The variant allele was found at a frequency of 2.4e-05 in 251350 control chromosomes. The available data on variant occurrences in the general population are insufficient to allow any conclusion about variant significance. c.595C>T has been observed in individual(s) affected with clinical features of Developmental And Epileptic Encephalopathy 94 (example, Stessman_2017), without strong evidence of causality. These report(s) do not provide unequivocal conclusions about association of the variant with Developmental And Epileptic Encephalopathy 94. To our knowledge, no experimental evidence demonstrating an impact on protein function has been reported. ClinVar contains an entry for this variant (Variation ID: 943841). Based on the evidence outlined above, the variant was classified as uncertain significance.

Labcorp Genetics (formerly Invitae), Labcorp
Classification: Uncertain significance for Developmental and epileptic encephalopathy 94. Last evaluated: 2025-07-09. Review status: criteria provided, single submitter. Criteria: Invitae Variant Classification Sherloc (09022015). Collection method: clinical testing. Allele origin: germline.
Comment: This sequence change replaces arginine, which is basic and polar, with cysteine, which is neutral and slightly polar, at codon 199 of the CHD2 protein (p.Arg199Cys). This variant is present in population databases (rs764705223, gnomAD 0.01%). This missense change has been observed in individual(s) with clinical features of CHD2-related conditions (PMID: 28191889). ClinVar contains an entry for this variant (Variation ID: 943841). Invitae Evidence Modeling of protein sequence and biophysical properties (such as structural, functional, and spatial information, amino acid conservation, physicochemical variation, residue mobility, and thermodynamic stability) indicates that this missense variant is not expected to disrupt CHD2 protein function with a negative predictive value of 95%. In summary, the available evidence is currently insufficient to determine the role of this variant in disease. Therefore, it has been classified as a Variant of Uncertain Significance.

Ambry Genetics
Classification: Likely benign for Inborn genetic diseases. Last evaluated: 2023-01-30. Review status: criteria provided, single submitter. Criteria: Ambry Variant Classification Scheme 2023. Collection method: clinical testing. Allele origin: germline.

Literature cited by the submitters: PubMed 28191889 (cited by Women's Health and Genetics/Laboratory Corporation of America, LabCorp and Labcorp Genetics (formerly Invitae), Labcorp); PubMed 33004838 (cited by Women's Health and Genetics/Laboratory Corporation of America, LabCorp).